The following is an entry in ClinVar:

NM_005327.7(HADH):c.340G>T (p.Asp114Tyr)

Gene: HADH (hydroxyacyl-CoA dehydrogenase; plus strand). Cytogenetic location: 4q25.
Variant type: single nucleotide variant.
Coding change: c.340G>T on transcript NM_005327.7 (MANE Select); coding-DNA position 340, G replaced by T.
Protein change: p.Asp114Tyr; replaces aspartic acid 114 with tyrosine.
Molecular consequence: missense variant.
Genome position (GRCh38, 1-based): chr4:108,014,509, G>T. VCF-style: chr4-108014509-G-T. GRCh37 (hg19) VCF-style: chr4-108935665-G-T.
Other names: c.340G>T, p.Asp114Tyr (NM_001184705.4); c.352G>T, p.Asp118Tyr (NM_001331027.2); short protein forms D114Y, D118Y.
Identifiers: ClinVar variation 1809759 (VCV001809759.1), dbSNP rs2477217408, ClinGen allele CA357831356.

ClinVar aggregate classification (germline): Uncertain significance (1 of 4 stars; one submission).

Submission:

Athena Diagnostics
Classification: Uncertain significance. Last evaluated: 2021-07-12. Review status: criteria provided, single submitter. Criteria: Athena Diagnostics Criteria. Collection method: clinical testing. Allele origin: unknown.
Comment: This observation is not an independent occurrence and has been identified in the same individual by RCIGM, the other laboratory participating in the GEMINI study.